The following is an entry in ClinVar:

NM_004380.3(CREBBP):c.1124del (p.Gly375fs)

Gene: CREBBP (CREB binding lysine acetyltransferase; minus strand). Cytogenetic location: 16p13.3.
Variant type: Deletion.
Coding change: c.1124del on transcript NM_004380.3 (MANE Select); coding-DNA position 1124, one base deleted (G; older notation c.1124delG).
Protein change: p.Gly375fs; shifts the reading frame from glycine 375.
Molecular consequence: frameshift variant.
Genome position (GRCh38, 1-based): chr16:3,793,478, C deleted on the plus strand (G on the coding strand, the reverse complement: CREBBP is on the minus strand); the first of 2 consecutive C bases (chr16:3,793,478-3,793,479); deleting either gives the same sequence. VCF-style (leftmost placement, unchanged base first): chr16-3793477-TC-T. GRCh37 (hg19) VCF-style: chr16-3843478-TC-T.
Other names: c.1124del, p.Gly375fs (NM_001079846.1); short protein forms G375fs.
Identifiers: ClinVar variation 694760 (VCV000694760.2), dbSNP rs1596947743, ClinGen allele CA915949052.

ClinVar aggregate classification (germline): Pathogenic. Review status: criteria provided, single submitter (1 of 4 stars). 2 submissions from 2 submitters: Pathogenic (1). 1 of the submissions does not count toward it. Last evaluated 2025-07-20.

Conditions:
Rubinstein-Taybi syndrome due to CREBBP mutations (RSTS1). Also called: BROAD THUMBS AND GREAT TOES, CHARACTERISTIC FACIES, AND IMPAIRED INTELLECTUAL DEVELOPMENT; BROAD THUMB-HALLUX SYNDROME; RUBINSTEIN SYNDROME; RUBINSTEIN-TAYBI SYNDROME 1, INCOMPLETE; CREBBP-Related Rubinstein-Taybi Syndrome; Rubinstein-Taybi syndrome 1. Identifiers: Orphanet 353277, Orphanet 783, MedGen C4551859, MONDO:0008393, OMIM 180849.
Rubinstein-Taybi syndrome (RSTS). Identifiers: Orphanet 783, MedGen C0035934, MONDO:0019188.

Submissions (2):

Labcorp Genetics (formerly Invitae), Labcorp
Classification: Pathogenic for Rubinstein-Taybi syndrome. Last evaluated: 2025-07-20. Review status: criteria provided, single submitter. Criteria: Invitae Variant Classification Sherloc (09022015). Collection method: clinical testing. Allele origin: germline.
Comment: This sequence change creates a premature translational stop signal (p.Gly375Glufs*14) in the CREBBP gene. It is expected to result in an absent or disrupted protein product. Loss-of-function variants in CREBBP are known to be pathogenic (PMID: 17052327, 18792986). This variant is not present in population databases (gnomAD no frequency). This premature translational stop signal has been observed in individual(s) with clinical features of Rubinstein–Taybi syndrome (PMID: 32827181). ClinVar contains an entry for this variant (Variation ID: 694760). For these reasons, this variant has been classified as Pathogenic.

Wessex Regional Genetics Laboratory, Salisbury District Hospital
Classification: Pathogenic for Rubinstein-Taybi syndrome due to CREBBP mutations. Last evaluated: 2019-11-05. Review status: no assertion criteria provided. Criteria: ACMG Guidelines, 2015. Collection method: clinical testing. Allele origin: unknown. Inheritance: Autosomal dominant inheritance. Affected: yes. Not counted in ClinVar's aggregate classification.

Literature cited by the submitters: PubMed 17052327 (cited by Labcorp Genetics (formerly Invitae), Labcorp); PubMed 18792986 (cited by Labcorp Genetics (formerly Invitae), Labcorp); PubMed 32827181 (cited by Labcorp Genetics (formerly Invitae), Labcorp).